The following is an entry in ClinVar:

ClinVar aggregate classification (germline): Benign (1 of 4 stars; one submission).

Conditions:
Multiple cutaneous and mucosal venous malformations (VMCM). Also called: TEK-Related Multiple Cutaneous and Mucosal Venous Malformations (VMCM). Identifiers: Orphanet 2451, MedGen C1838437, MONDO:0010842, OMIM 600195.

Allele frequency attached by ClinVar (database versions not stated): ExAC 0.00002; TOPMed 0.00013; gnomAD exomes 0.00005.
gnomAD v4.1: 38 of 1,613,812 alleles (0.0024%); highest among the groups gnomAD compares: Admixed American, 0.045%; no homozygotes.

Submission:

Illumina Laboratory Services, Illumina
Classification: Benign for Multiple cutaneous and mucosal venous malformations. Last evaluated: 2018-01-13. Review status: criteria provided, single submitter. Criteria: ICSL Variant Classification Criteria 13 December 2019. Collection method: clinical testing. Allele origin: germline.
Comment: This variant was observed in the ICSL laboratory as part of a predisposition screen in an ostensibly healthy population. It had not been previously curated by ICSL or reported in the Human Gene Mutation Database (HGMD: prior to June 1st, 2018), and was therefore a candidate for classification through an automated scoring system. Utilizing variant allele frequency, disease prevalence and penetrance estimates, and inheritance mode, an automated score was calculated to assess if this variant is too frequent to cause the disease. Based on the score and internal cut-off values, a variant classified as benign is not then subjected to further curation. The score for this variant resulted in a classification of benign for this disease.

NM_000459.5(TEK):c.1146A>G (p.Glu382=)

Gene: TEK (TEK receptor tyrosine kinase; plus strand). Cytogenetic location: 9p21.2.
Variant type: single nucleotide variant.
Coding change: c.1146A>G on transcript NM_000459.5 (MANE Select); coding-DNA position 1146, A replaced by G.
Protein change: p.Glu382=; no amino-acid change (glutamic acid 382 retained).
Molecular consequence: synonymous variant.
Genome position (GRCh38, 1-based): chr9:27,183,574, A>G. VCF-style: chr9-27183574-A-G. GRCh37 (hg19) VCF-style: chr9-27183572-A-G.
Other names: c.1017A>G, p.Glu339= (NM_001290077.2, NM_001375476.1); c.705A>G, p.Glu235= (NM_001290078.2); c.1146A>G, p.Glu382= (NM_001375475.1).
Identifiers: ClinVar variation 913087 (VCV000913087.4), dbSNP rs146464819, ClinGen allele CA5016134.
Genomic context (GRCh38, chr9:27,183,574, plus strand): 5'-CAGTGGTAAATTTAATCCCATTTGCAAAGCTTCTGGCTGGCCGCTACCTACTAATGAAGA[A>G]ATGACCCTGGTGAAGCCGGATGGGACAGTGCTCCATGTAAGAGCCATTCTTAATTTGCCC-3'
Protein context (NP_000450.3, residues 372-392): ASGWPLPTNE[Glu382=]MTLVKPDGTV